The following is an entry in ClinVar:

NM_016203.4(PRKAG2):c.1432G>A (p.Val478Ile)

Gene: PRKAG2 (protein kinase AMP-activated non-catalytic subunit gamma 2; minus strand). Cytogenetic location: 7q36.1.
Variant type: single nucleotide variant.
Coding change: c.1432G>A on transcript NM_016203.4 (MANE Select); coding-DNA position 1432, G replaced by A.
Protein change: p.Val478Ile; replaces valine 478 with isoleucine.
Molecular consequence: missense variant.
Genome position (GRCh38, 1-based): chr7:151,565,351, C>T on the plus strand (G>A on the coding strand, the complement: PRKAG2 is on the minus strand). VCF-style: chr7-151565351-C-T. GRCh37 (hg19) VCF-style: chr7-151262437-C-T.
Other names: c.1300G>A, p.Val434Ile (NM_001040633.2); c.1057G>A, p.Val353Ile (NM_001304527.2); c.709G>A, p.Val237Ile (NM_001304531.2, NM_024429.2); c.1060G>A, p.Val354Ile (NM_001363698.2); short protein forms V237I, V353I, V354I, V434I, V478I.
Identifiers: ClinVar variation 925757 (VCV000925757.15), dbSNP rs778668093, ClinGen allele CA055045.
Genomic context (GRCh38, chr7:151,565,351, plus strand): 5'-ATGAATGTTTAAAATGCATTCTAGGTGACAGATTGAACAAAATTAAAATACTTACAATTA[C>T]ATCAAATTTGGAATAAATATCTACAACTTTTCCTAAAAATGAAAAATATATGTTAGAAAA-3'
Protein context (NP_057287.2, residues 468-488): KVVDIYSKFD[Val478Ile]INLAAEKTYN

ClinVar aggregate classification (germline): Uncertain significance. Review status: criteria provided, multiple submitters, no conflicts (2 of 4 stars). 5 submissions from 5 submitters: Uncertain significance (5). Last evaluated 2026-01-14.

Conditions:
Hypertrophic cardiomyopathy. Also called: HYPERTROPHIC MYOCARDIOPATHY. Identifiers: Orphanet 217569, MedGen C0007194, MeSH D002312, MONDO:0005045, HP:0001639.
Cardiomyopathy (CMYO). Also called: Cardiomyopathies. Identifiers: Orphanet 167848, MedGen C0878544, MONDO:0004994, HP:0001638. Inheritance: Various modes of inheritance.
Lethal congenital glycogen storage disease of heart. Also called: GLYCOGEN STORAGE DISEASE OF HEART; PHOSPHORYLASE KINASE DEFICIENCY OF HEART. Identifiers: Orphanet 439854, MedGen C1849813, MONDO:0009867, OMIM 261740.
Hypertrophic cardiomyopathy 6. Identifiers: MedGen C1833236, MONDO:0010946, OMIM 600858.
Cardiovascular phenotype. Identifiers: MedGen CN230736.

Allele frequency attached by ClinVar (database versions not stated): gnomAD 0.00002; TOPMed 0.00002; ExAC 0.00003.
gnomAD v4.1: 5 of 1,393,120 alleles (0.00036%); highest among the groups gnomAD compares: African/African-American, 0.0014%; no homozygotes.

Submissions (5):

Labcorp Genetics (formerly Invitae), Labcorp
Classification: Uncertain significance for Lethal congenital glycogen storage disease of heart. Last evaluated: 2026-01-14. Review status: criteria provided, single submitter. Criteria: Invitae Variant Classification Sherloc (09022015). Collection method: clinical testing. Allele origin: germline.
Comment: This sequence change replaces valine, which is neutral and non-polar, with isoleucine, which is neutral and non-polar, at codon 478 of the PRKAG2 protein (p.Val478Ile). The frequency data for this variant in the population databases is considered unreliable, as metrics indicate poor data quality at this position in the gnomAD database. This variant has not been reported in the literature in individuals affected with PRKAG2-related conditions. ClinVar contains an entry for this variant (Variation ID: 925757). Invitae Evidence Modeling of protein sequence and biophysical properties (such as structural, functional, and spatial information, amino acid conservation, physicochemical variation, residue mobility, and thermodynamic stability) indicates that this missense variant is not expected to disrupt PRKAG2 protein function with a negative predictive value of 95%. In summary, the available evidence is currently insufficient to determine the role of this variant in disease. Therefore, it has been classified as a Variant of Uncertain Significance.

All of Us Research Program, National Institutes of Health
Classification: Uncertain significance for Hypertrophic cardiomyopathy. Last evaluated: 2024-08-13. Review status: criteria provided, single submitter. Criteria: ACMG Guidelines, 2015. Collection method: clinical testing. Allele origin: germline. Inheritance: Autosomal dominant inheritance. Observed: 5 variant alleles, 5 heterozygotes.
Comment: This missense variant replaces valine with isoleucine at codon 478 of the PRKAG2 protein. Computational prediction suggests that this variant may not impact protein structure and function (internally defined REVEL score threshold <= 0.5, PMID: 27666373). To our knowledge, functional studies have not been reported for this variant. This variant has not been reported in individuals affected with PRKAG2-related disorders in the literature. This variant has been identified in 2/250832 chromosomes in the general population by the Genome Aggregation Database (gnomAD). The available evidence is insufficient to determine the role of this variant in disease conclusively. Therefore, this variant is classified as a Variant of Uncertain Significance.

This study involves interpretation of variants in research participants for the purpose of population health screening. Participant phenotype was not available at the time of variant classification. Additional details can be found in publication PMID: 35346344, PMCID: PMC8962531

Color Diagnostics, LLC DBA Color Health
Classification: Uncertain significance for Cardiomyopathy. Last evaluated: 2024-03-06. Review status: criteria provided, single submitter. Criteria: ACMG Guidelines, 2015. Collection method: clinical testing. Allele origin: germline.
Comment: This missense variant replaces valine with isoleucine at codon 478 of the PRKAG2 protein. Computational prediction suggests that this variant may not impact protein structure and function (internally defined REVEL score threshold <= 0.5, PMID: 27666373). To our knowledge, functional studies have not been reported for this variant. This variant has not been reported in individuals affected with PRKAG2-related disorders in the literature. This variant has been identified in 2/250832 chromosomes in the general population by the Genome Aggregation Database (gnomAD). The available evidence is insufficient to determine the role of this variant in disease conclusively. Therefore, this variant is classified as a Variant of Uncertain Significance.

Ambry Genetics
Classification: Uncertain significance for Cardiovascular phenotype. Last evaluated: 2023-09-15. Review status: criteria provided, single submitter. Criteria: Ambry Variant Classification Scheme 2023. Collection method: clinical testing. Allele origin: germline.
Comment: The p.V478I variant (also known as c.1432G>A), located in coding exon 13 of the PRKAG2 gene, results from a G to A substitution at nucleotide position 1432. The valine at codon 478 is replaced by isoleucine, an amino acid with highly similar properties. This amino acid position is conserved. In addition, the in silico prediction for this alteration is inconclusive. Since supporting evidence is limited at this time, the clinical significance of this alteration remains unclear.

New York Genome Center
Classification: Uncertain significance for Hypertrophic cardiomyopathy 6. Last evaluated: 2023-04-03. Review status: criteria provided, single submitter. Criteria: NYGC Assertion Criteria 2020. Collection method: clinical testing. Allele origin: germline. Observed: 1 heterozygote.
Comment: The c.1432G>A p.(Val478Ile) missense variant identified in the PRKAG2 gene has not been reported in affected individuals in the literature, but has been reported as a Variant of Uncertain Significance in the ClinVar database [Variation ID: 925757]. The c.1432G>A variant is observed in 6 out of 559,546 heterozygous alleles (0.00001 minor allele frequency, no homozygote) in population databases (gnomAD v2.1.1 and v3.1.2, TOPMed Freeze 8), suggesting it is not a common benign variant in the populations represented in those databases. The c.1432G>A variant is located in exon 13 of this 16-exon gene and is predicted to replace a highly conserved valine residue with isoleucine at position 478 within the CBS 3 domain of the encoded protein [UniProt ID: Q9UGJ0]. The c.1432G>A variant is located 5 nucleotides away from exon13/intron13 junction. In silico predictions are not in favor of the variant’s damaging effect [REVEL = 0.417, SpliceAI deltascore = 0.02]; however, functional studies to support or refute these predictions have not been reported. Based on the available evidence, the c.1432G>Ap.(Val478Ile) missense variant identified in the PRKAG2 gene is reported as a Variant of Uncertain Significance.